The following is an entry in ClinVar:

ClinVar aggregate classification (germline): Uncertain significance. Review status: criteria provided, multiple submitters, no conflicts (2 of 4 stars). 4 submissions from 4 submitters: Uncertain significance (4). Last evaluated 2025-12-15.

Conditions:
Cardiovascular phenotype. Identifiers: MedGen CN230736.
Arrhythmogenic right ventricular cardiomyopathy (ARVD). Also called: Arrhythmogenic cardiomyopathy; Cardiomyopathy, ARVC; Arrhythmogenic right ventricular dysplasia; Arrhythmogenic Right Ventricular Cardiomyopathy (ARVC). Identifiers: Orphanet 247, MedGen C0349788, MeSH D019571, MONDO:0016587. Disease mechanism: loss of function. Inheritance: Various modes of inheritance.
Cardiomyopathy (CMYO). Also called: Cardiomyopathies. Identifiers: Orphanet 167848, MedGen C0878544, MONDO:0004994, HP:0001638. Inheritance: Various modes of inheritance.
Arrhythmogenic right ventricular dysplasia 10. Also called: Arrhythmogenic Right Ventricular Dysplasia/Cardiomyopathy10; ARRHYTHMOGENIC RIGHT VENTRICULAR DYSPLASIA, FAMILIAL, 10; Arrhythmogenic right ventricular dysplasia/cardiomyopathy, type 10. Identifiers: MedGen C1857777, MONDO:0012434, OMIM 610193.

Allele frequency attached by ClinVar (database versions not stated): gnomAD 0.00001; gnomAD exomes 0.00001; TOPMed 0.00001.
gnomAD v4.1: 4 of 1,614,028 alleles (0.00025%); highest among the groups gnomAD compares: Non-Finnish European, 0.00034%; no homozygotes.

Submissions (4):

Labcorp Genetics (formerly Invitae), Labcorp
Classification: Uncertain significance for Arrhythmogenic right ventricular dysplasia 10. Last evaluated: 2025-12-15. Review status: criteria provided, single submitter. Criteria: Invitae Variant Classification Sherloc (09022015). Collection method: clinical testing. Allele origin: germline.
Comment: This sequence change replaces methionine, which is neutral and non-polar, with leucine, which is neutral and non-polar, at codon 653 of the DSG2 protein (p.Met653Leu). This variant is not present in population databases (gnomAD no frequency). This variant has not been reported in the literature in individuals affected with DSG2-related conditions. ClinVar contains an entry for this variant (Variation ID: 921008). Invitae Evidence Modeling of protein sequence and biophysical properties (such as structural, functional, and spatial information, amino acid conservation, physicochemical variation, residue mobility, and thermodynamic stability) has been performed for this missense variant. However, the output from this modeling did not meet the statistical confidence thresholds required to predict the impact of this variant on DSG2 protein function. In summary, the available evidence is currently insufficient to determine the role of this variant in disease. Therefore, it has been classified as a Variant of Uncertain Significance.

Ambry Genetics
Classification: Uncertain significance for Cardiovascular phenotype. Last evaluated: 2025-01-06. Review status: criteria provided, single submitter. Criteria: Ambry Variant Classification Scheme 2023. Collection method: clinical testing. Allele origin: germline.
Comment: The p.M653L variant (also known as c.1957A>T), located in coding exon 13 of the DSG2 gene, results from an A to T substitution at nucleotide position 1957. The methionine at codon 653 is replaced by leucine, an amino acid with highly similar properties. This amino acid position is conserved. In addition, the in silico prediction for this alteration is inconclusive. Based on the available evidence, the clinical significance of this variant remains unclear.

Color Diagnostics, LLC DBA Color Health
Classification: Uncertain significance for Cardiomyopathy. Last evaluated: 2024-03-06. Review status: criteria provided, single submitter. Criteria: ACMG Guidelines, 2015. Collection method: clinical testing. Allele origin: germline.
Comment: This missense variant replaces methionine with leucine at codon 653 of the DSG2 protein. Computational prediction suggests that this variant may not impact protein structure and function (internally defined REVEL score threshold <= 0.5, PMID: 27666373). To our knowledge, functional studies have not been reported for this variant. This variant has not been reported in individuals affected with cardiovascular disorders in the literature. This variant has not been identified in the general population by the Genome Aggregation Database (gnomAD). The available evidence is insufficient to determine the role of this variant in disease conclusively. Therefore, this variant is classified as a Variant of Uncertain Significance.

All of Us Research Program, National Institutes of Health
Classification: Uncertain significance for Arrhythmogenic right ventricular cardiomyopathy. Last evaluated: 2023-11-20. Review status: criteria provided, single submitter. Criteria: ACMG Guidelines, 2015. Collection method: clinical testing. Allele origin: germline. Inheritance: Autosomal dominant inheritance. Observed: 2 variant alleles, 2 heterozygotes.
Comment: Variant of Uncertain Significance due to insufficient evidence: This missense variant is located in the cytoplasmic domain of the DSG2 protein. Computational prediction tools and conservation analyses are inconclusive regarding the impact of this variant on the protein function. Computational splicing tools suggest that this variant may not impact RNA splicing. To our knowledge, functional assays have not been performed for this variant nor has this variant been reported in individuals affected with cardiovascular disorders in the literature. This variant is rare in the general population and has been identified in 0/277264 chromosomes by the Genome Aggregation Database (gnomAD). Available evidence is insufficient to determine the pathogenicity of this variant conclusively.

This study involves interpretation of variants in research participants for the purpose of population health screening. Participant phenotype was not available at the time of variant classification. Additional details can be found in publication PMID: 35346344, PMCID: PMC8962531

NM_001943.5(DSG2):c.1957A>T (p.Met653Leu)

Gene: DSG2 (desmoglein 2; plus strand). Cytogenetic location: 18q12.1.
Variant type: single nucleotide variant.
Coding change: c.1957A>T on transcript NM_001943.5 (MANE Select); coding-DNA position 1957, A replaced by T.
Protein change: p.Met653Leu; replaces methionine 653 with leucine.
Molecular consequence: missense variant.
Genome position (GRCh38, 1-based): chr18:31,541,270, A>T. VCF-style: chr18-31541270-A-T. GRCh37 (hg19) VCF-style: chr18-29121233-A-T.
Other names: c.1957A>T (NM_001943.3); short protein forms M653L.
Identifiers: ClinVar variation 921008 (VCV000921008.10), dbSNP rs1382682032, ClinGen allele CA402139653.